The following is an entry in ClinVar:

NM_198253.3(TERT):c.3335T>C (p.Leu1112Pro)

Gene: TERT (telomerase reverse transcriptase; minus strand). Cytogenetic location: 5p15.33.
Variant type: single nucleotide variant.
Coding change: c.3335T>C on transcript NM_198253.3 (MANE Select); coding-DNA position 3335, T replaced by C.
Protein change: p.Leu1112Pro; replaces leucine 1112 with proline.
Molecular consequence: missense variant. On other transcripts: non-coding transcript variant (2).
Genome position (GRCh38, 1-based): chr5:1,253,792, A>G on the plus strand (T>C on the coding strand, the complement: TERT is on the minus strand). VCF-style: chr5-1253792-A-G. GRCh37 (hg19) VCF-style: chr5-1253907-A-G.
Other names: c.3146T>C, p.Leu1049Pro (NM_001193376.3); c.3335T>C, p.Leu1112Pro (NM_003219.1); short protein forms L1049P, L1112P.
Identifiers: ClinVar variation 2949770 (VCV002949770.3), dbSNP rs2478066445, ClinGen allele CA359066758.

ClinVar aggregate classification (germline): Uncertain significance (1 of 4 stars; one submission).

Conditions:
Idiopathic Pulmonary Fibrosis. Also called: Idiopathic fibrosing alveolitis, chronic form; idiopathic fibrosing alveolitis. Identifiers: Orphanet 2032, MedGen C1800706, MeSH D054990, MONDO:0800504.
Dyskeratosis congenita, autosomal dominant 2. Identifiers: MedGen C3151443, MONDO:0013521, OMIM 613989.

Allele frequency attached by ClinVar (database versions not stated): gnomAD exomes below 0.00001.
gnomAD v4.1: 1 of 1,612,092 alleles (0.000062%); no homozygotes.

Submission:

Labcorp Genetics (formerly Invitae), Labcorp
Classification: Uncertain significance for Dyskeratosis congenita, autosomal dominant 2; Idiopathic Pulmonary Fibrosis. Last evaluated: 2023-07-11. Review status: criteria provided, single submitter. Criteria: Invitae Variant Classification Sherloc (09022015). Collection method: clinical testing. Allele origin: germline.
Comment: In summary, the available evidence is currently insufficient to determine the role of this variant in disease. Therefore, it has been classified as a Variant of Uncertain Significance. Advanced modeling of protein sequence and biophysical properties (such as structural, functional, and spatial information, amino acid conservation, physicochemical variation, residue mobility, and thermodynamic stability) performed at Invitae indicates that this missense variant is expected to disrupt TERT protein function. This variant has not been reported in the literature in individuals affected with TERT-related conditions. This variant is not present in population databases (gnomAD no frequency). This sequence change replaces leucine, which is neutral and non-polar, with proline, which is neutral and non-polar, at codon 1112 of the TERT protein (p.Leu1112Pro).